The following is an entry in ClinVar:

NM_002382.5(MAX):c.459G>T (p.Lys153Asn)

Gene: MAX (MYC associated transcriptional regulator X; minus strand). Cytogenetic location: 14q23.3.
Variant type: single nucleotide variant.
Coding change: c.459G>T on transcript NM_002382.5 (MANE Select); coding-DNA position 459, G replaced by T.
Protein change: p.Lys153Asn; replaces lysine 153 with asparagine.
Molecular consequence: missense variant. On other transcripts: 3 prime UTR variant (12), non-coding transcript variant (7), intron variant (2).
Genome position (GRCh38, 1-based): chr14:65,076,500, C>A on the plus strand (G>T on the coding strand, the complement: MAX is on the minus strand). VCF-style: chr14-65076500-C-A. GRCh37 (hg19) VCF-style: chr14-65543218-C-A.
Other names: c.270G>T, p.Lys90Asn (NM_001320415.2, NM_001407105.1, NM_001407106.1 and 1 more transcripts); c.459G>T, p.Lys153Asn (NM_001407094.1); c.432G>T, p.Lys144Asn (NM_001407095.1, NM_145112.3); c.*232G>T (NM_001407096.1, NM_001407099.1, NM_001407102.1 and 2 more transcripts); c.*248G>T (NM_001407097.1, NM_001407100.1, NM_001407101.1 and 4 more transcripts); c.351G>T, p.Lys117Asn (NM_001407098.1); c.258G>T, p.Lys86Asn (NM_001407111.1, NM_001407112.1); c.144+17208G>T (NM_001271069.2); and 1 more; short protein forms K117N, K144N, K153N, K86N, K90N.
Identifiers: ClinVar variation 3222158 (VCV003222158.1), dbSNP rs2139739290, ClinGen allele CA390031183.

ClinVar aggregate classification (germline): Uncertain significance (1 of 4 stars; one submission).

Conditions:
Hereditary cancer-predisposing syndrome. Also called: Tumor predisposition; Hereditary neoplastic syndrome; Hereditary Cancer Syndrome; Neoplastic Syndromes, Hereditary. Identifiers: Orphanet 140162, MedGen C0027672, MeSH D009386, MONDO:0015356.

Submission:

Ambry Genetics
Classification: Uncertain significance for Hereditary cancer-predisposing syndrome. Last evaluated: 2024-03-08. Review status: criteria provided, single submitter. Criteria: Ambry Variant Classification Scheme 2023. Collection method: clinical testing. Allele origin: germline.
Comment: The p.K153N variant (also known as c.459G>T), located in coding exon 5 of the MAX gene, results from a G to T substitution at nucleotide position 459. The lysine at codon 153 is replaced by asparagine, an amino acid with similar properties. This amino acid position is conserved. In addition, the in silico prediction for this alteration is inconclusive. Based on the available evidence, the clinical significance of this alteration remains unclear.